The following is an entry in ClinVar:

NM_000642.3(AGL):c.3581G>A (p.Gly1194Asp)

Gene: AGL (amylo-alpha-1,6-glucosidase and 4-alpha-glucanotransferase; plus strand). Cytogenetic location: 1p21.2.
Variant type: single nucleotide variant.
Coding change: c.3581G>A on transcript NM_000642.3 (MANE Select); coding-DNA position 3581, G replaced by A.
Protein change: p.Gly1194Asp; replaces glycine 1194 with aspartic acid.
Molecular consequence: missense variant.
Genome position (GRCh38, 1-based): chr1:99,900,854, G>A. VCF-style: chr1-99900854-G-A. GRCh37 (hg19) VCF-style: chr1-100366410-G-A.
Other names: c.3581G>A, p.Gly1194Asp (NM_000028.3, NM_000643.3, NM_000644.3 and 1 more transcripts); c.3533G>A, p.Gly1178Asp (NM_000646.3); c.3560G>A, p.Gly1187Asp (NM_001425326.1); c.3380G>A, p.Gly1127Asp (NM_001425327.1); c.3377G>A, p.Gly1126Asp (NM_001425328.1); c.3242G>A, p.Gly1081Asp (NM_001425329.1); c.3203G>A, p.Gly1068Asp (NM_001425332.1); short protein forms G1178D, G1194D, G1068D, G1081D, G1126D, G1127D, G1187D.
Identifiers: ClinVar variation 956378 (VCV000956378.10), dbSNP rs370685884, ClinGen allele CA967102.
Genomic context (GRCh38, chr1:99,900,854, plus strand): 5'-TTCTCAAGTGCCCAGTTTCCAGAATGTATCCTACAGATGATTCTGCTCCTTTGCCTGCTG[G>A]CACACTGGTAAAGATATTTCTTAAAATGTTTTTTTGTTTTTTTTTTTTTTTCTGAAAAAT-3'
Protein context (NP_000633.2, residues 1184-1204): PTDDSAPLPA[Gly1194Asp]TLDQPLFEVI

ClinVar aggregate classification (germline): Uncertain significance. Review status: criteria provided, single submitter (1 of 4 stars). 2 submissions from 2 submitters: Uncertain significance (1). 1 of the submissions does not count toward it. Last evaluated 2021-09-01.

Conditions:
Glycogen storage disease type III (GSD3). Also called: Cori disease; FORBES DISEASE. Identifiers: Orphanet 366, MedGen C0017922, MONDO:0009291, OMIM 232400.

Allele frequency attached by ClinVar (database versions not stated): gnomAD exomes below 0.00001; ExAC 0.00001; ESP Exome Variant Server 0.00008.
gnomAD v4.1: 4 of 1,605,808 alleles (0.00025%); highest among the groups gnomAD compares: Non-Finnish European, 0.00034%; no homozygotes.

Submissions (2):

Labcorp Genetics (formerly Invitae), Labcorp
Classification: Uncertain significance for Glycogen storage disease type III. Last evaluated: 2021-09-01. Review status: criteria provided, single submitter. Criteria: Invitae Variant Classification Sherloc (09022015). Collection method: clinical testing. Allele origin: germline.
Comment: This sequence change replaces glycine with aspartic acid at codon 1194 of the AGL protein (p.Gly1194Asp). The glycine residue is moderately conserved and there is a moderate physicochemical difference between glycine and aspartic acid. This variant is present in population databases (rs370685884, ExAC 0.01%). This variant has not been reported in the literature in individuals affected with AGL-related conditions. Algorithms developed to predict the effect of missense changes on protein structure and function are either unavailable or do not agree on the potential impact of this missense change (SIFT: "Tolerated"; PolyPhen-2: "Possibly Damaging"; Align-GVGD: "Class C0"). In summary, the available evidence is currently insufficient to determine the role of this variant in disease. Therefore, it has been classified as a Variant of Uncertain Significance.

Natera, Inc.
Classification: Uncertain significance for Glycogen storage disease type III. Last evaluated: 2020-10-16. Review status: no assertion criteria provided. Collection method: clinical testing. Allele origin: germline. Not counted in ClinVar's aggregate classification.